The following is an entry in ClinVar:

ClinVar aggregate classification (germline): Uncertain significance (1 of 4 stars; one submission).

Allele frequency attached by ClinVar (database versions not stated): TOPMed below 0.00001.

Submission:

Labcorp Genetics (formerly Invitae), Labcorp
Classification: Uncertain significance. Last evaluated: 2022-08-15. Review status: criteria provided, single submitter. Criteria: Invitae Variant Classification Sherloc (09022015). Collection method: clinical testing. Allele origin: germline.
Comment: This sequence change replaces methionine, which is neutral and non-polar, with isoleucine, which is neutral and non-polar, at codon 247 of the CYP4V2 protein (p.Met247Ile). In summary, the available evidence is currently insufficient to determine the role of this variant in disease. Therefore, it has been classified as a Variant of Uncertain Significance. Advanced modeling of protein sequence and biophysical properties (such as structural, functional, and spatial information, amino acid conservation, physicochemical variation, residue mobility, and thermodynamic stability) performed at Invitae indicates that this missense variant is not expected to disrupt CYP4V2 protein function. This variant has not been reported in the literature in individuals affected with CYP4V2-related conditions. This variant is not present in population databases (gnomAD no frequency).

NM_207352.4(CYP4V2):c.741G>A (p.Met247Ile)

Gene: CYP4V2 (cytochrome P450 family 4 subfamily V member 2; plus strand). Cytogenetic location: 4q35.1.
Variant type: single nucleotide variant.
Coding change: c.741G>A on transcript NM_207352.4 (MANE Select); coding-DNA position 741, G replaced by A.
Protein change: p.Met247Ile; replaces methionine 247 with isoleucine.
Molecular consequence: missense variant.
Genome position (GRCh38, 1-based): chr4:186,199,023, G>A. VCF-style: chr4-186199023-G-A. GRCh37 (hg19) VCF-style: chr4-187120177-G-A.
Other names: short protein forms M247I.
Identifiers: ClinVar variation 2074739 (VCV002074739.4), dbSNP rs1736233123, ClinGen allele CA358948015.